The following is an entry in ClinVar:

ClinVar aggregate classification (germline): Uncertain significance (1 of 4 stars; one submission).

Allele frequency attached by ClinVar (database versions not stated): TOPMed below 0.00001; gnomAD exomes 0.00001.
gnomAD v4.1: 11 of 1,607,456 alleles (0.00068%); highest among the groups gnomAD compares: South Asian, 0.0011%; no homozygotes.

Submission:

Labcorp Genetics (formerly Invitae), Labcorp
Classification: Uncertain significance. Last evaluated: 2022-08-16. Review status: criteria provided, single submitter. Criteria: Invitae Variant Classification Sherloc (09022015). Collection method: clinical testing. Allele origin: germline.
Comment: In summary, the available evidence is currently insufficient to determine the role of this variant in disease. Therefore, it has been classified as a Variant of Uncertain Significance. Advanced modeling of protein sequence and biophysical properties (such as structural, functional, and spatial information, amino acid conservation, physicochemical variation, residue mobility, and thermodynamic stability) performed at Invitae indicates that this missense variant is not expected to disrupt CABP4 protein function. This variant has not been reported in the literature in individuals affected with CABP4-related conditions. The frequency data for this variant in the population databases is considered unreliable, as metrics indicate poor data quality at this position in the gnomAD database. This sequence change replaces valine, which is neutral and non-polar, with phenylalanine, which is neutral and non-polar, at codon 25 of the CABP4 protein (p.Val25Phe).

NM_145200.5(CABP4):c.73G>T (p.Val25Phe)

Gene: CABP4 (calcium binding protein 4; plus strand). Cytogenetic location: 11q13.2.
Variant type: single nucleotide variant.
Coding change: c.73G>T on transcript NM_145200.5 (MANE Select); coding-DNA position 73, G replaced by T.
Protein change: p.Val25Phe; replaces valine 25 with phenylalanine.
Molecular consequence: missense variant. On other transcripts: 5 prime UTR variant (2), non-coding transcript variant (1), intron variant (1).
Genome position (GRCh38, 1-based): chr11:67,455,496, G>T. VCF-style: chr11-67455496-G-T. GRCh37 (hg19) VCF-style: chr11-67222967-G-T.
Other names: c.-311G>T (NM_001300895.3); c.-325G>T (NM_001379183.1); c.-112-213G>T (NM_001300896.3); short protein forms V25F.
Identifiers: ClinVar variation 2086241 (VCV002086241.4), dbSNP rs1455035481, ClinGen allele CA381526702.